The following is an entry in ClinVar:

ClinVar aggregate classification (germline): Uncertain significance (1 of 4 stars; one submission).

gnomAD v4.1: 4 of 1,614,152 alleles (0.00025%); highest among the groups gnomAD compares: South Asian, 0.0011%; no homozygotes.

Submission:

Labcorp Genetics (formerly Invitae), Labcorp
Classification: Uncertain significance. Last evaluated: 2024-03-13. Review status: criteria provided, single submitter. Criteria: Invitae Variant Classification Sherloc (09022015). Collection method: clinical testing. Allele origin: germline.
Comment: This sequence change replaces proline, which is neutral and non-polar, with leucine, which is neutral and non-polar, at codon 115 of the KATNB1 protein (p.Pro115Leu). This variant is present in population databases (rs782019928, gnomAD 0.006%). This variant has not been reported in the literature in individuals affected with KATNB1-related conditions. Advanced modeling of protein sequence and biophysical properties (such as structural, functional, and spatial information, amino acid conservation, physicochemical variation, residue mobility, and thermodynamic stability) performed at Invitae indicates that this missense variant is expected to disrupt KATNB1 protein function with a positive predictive value of 95%. In summary, the available evidence is currently insufficient to determine the role of this variant in disease. Therefore, it has been classified as a Variant of Uncertain Significance.

NM_005886.3(KATNB1):c.344C>T (p.Pro115Leu)

Gene: KATNB1 (katanin regulatory subunit B1; plus strand). Cytogenetic location: 16q21.
Variant type: single nucleotide variant.
Coding change: c.344C>T on transcript NM_005886.3 (MANE Select); coding-DNA position 344, C replaced by T.
Protein change: p.Pro115Leu; replaces proline 115 with leucine.
Molecular consequence: missense variant.
Genome position (GRCh38, 1-based): chr16:57,750,881, C>T. VCF-style: chr16-57750881-C-T. GRCh37 (hg19) VCF-style: chr16-57784793-C-T.
Other names: short protein forms P115L.
Identifiers: ClinVar variation 3716805 (VCV003716805.2).
Genomic context (GRCh38, chr16:57,750,881, plus strand): 5'-TGTTAGTTCTTCGCACACTCATGGGACACAAAGCCAACATCTGCAGCCTGGATTTCCACC[C>T]GTACGGCGAGTTTGTAGCCTCTGGTTCCCAGGACACAAACATCAAGGTGAGAGGCCGGTC-3'
Protein context (NP_005877.2, residues 105-125): KANICSLDFH[Pro115Leu]YGEFVASGSQ